The following is an entry in ClinVar:

NM_001737.5(C9):c.615+5G>A

Gene: C9 (complement C9; minus strand). Cytogenetic location: 5p13.1.
Variant type: single nucleotide variant.
Coding change: c.615+5G>A on transcript NM_001737.5 (MANE Select); 5 bases into the intron after coding-DNA position 615, G replaced by A.
Molecular consequence: intron variant.
Genome position (GRCh38, 1-based): chr5:39,331,671, C>T on the plus strand (G>A on the coding strand, the complement: C9 is on the minus strand). VCF-style: chr5-39331671-C-T. GRCh37 (hg19) VCF-style: chr5-39331773-C-T.
Identifiers: ClinVar variation 2004551 (VCV002004551.4), dbSNP rs2479178615, ClinGen allele CA2580073279.

ClinVar aggregate classification (germline): Uncertain significance (1 of 4 stars; one submission).

Submission:

Labcorp Genetics (formerly Invitae), Labcorp
Classification: Uncertain significance. Last evaluated: 2022-06-10. Review status: criteria provided, single submitter. Criteria: Invitae Variant Classification Sherloc (09022015). Collection method: clinical testing. Allele origin: germline.
Comment: In summary, the available evidence is currently insufficient to determine the role of this variant in disease. Therefore, it has been classified as a Variant of Uncertain Significance. Variants that disrupt the consensus splice site are a relatively common cause of aberrant splicing (PMID: 17576681, 9536098). Algorithms developed to predict the effect of sequence changes on RNA splicing suggest that this variant may disrupt the consensus splice site. This variant has not been reported in the literature in individuals affected with C9-related conditions. This variant is not present in population databases (gnomAD no frequency). This sequence change falls in intron 5 of the C9 gene. It does not directly change the encoded amino acid sequence of the C9 protein. It affects a nucleotide within the consensus splice site.

Literature cited by the submitters: PubMed 17576681; PubMed 9536098.